The following is an entry in ClinVar:

ClinVar aggregate classification (germline): Uncertain significance (1 of 4 stars; one submission).

Conditions:
Joubert syndrome 21 (JBTS21). Identifiers: MedGen C3810212, MONDO:0014288, OMIM 615636.

Allele frequency attached by ClinVar (database versions not stated): gnomAD exomes 0.00001.
gnomAD v4.1: 7 of 1,613,220 alleles (0.00043%); highest among the groups gnomAD compares: Non-Finnish European, 0.00059%; no homozygotes.

Submission:

Labcorp Genetics (formerly Invitae), Labcorp
Classification: Uncertain significance for Joubert syndrome 21. Last evaluated: 2022-05-17. Review status: criteria provided, single submitter. Criteria: Invitae Variant Classification Sherloc (09022015). Collection method: clinical testing. Allele origin: germline.
Comment: This sequence change replaces alanine, which is neutral and non-polar, with serine, which is neutral and polar, at codon 518 of the CSPP1 protein (p.Ala518Ser). In summary, the available evidence is currently insufficient to determine the role of this variant in disease. Therefore, it has been classified as a Variant of Uncertain Significance. Algorithms developed to predict the effect of missense changes on protein structure and function are either unavailable or do not agree on the potential impact of this missense change (SIFT: "Deleterious"; PolyPhen-2: "Benign"; Align-GVGD: "Class C0"). This variant has not been reported in the literature in individuals affected with CSPP1-related conditions. This variant is not present in population databases (gnomAD no frequency).

NM_001382391.1(CSPP1):c.1567G>T (p.Ala523Ser)

Gene: CSPP1 (centrosome and spindle pole associated protein 1; plus strand). Cytogenetic location: 8q13.2.
Variant type: single nucleotide variant.
Coding change: c.1567G>T on transcript NM_001382391.1 (MANE Select); coding-DNA position 1567, G replaced by T.
Protein change: p.Ala523Ser; replaces alanine 523 with serine.
Molecular consequence: missense variant.
Genome position (GRCh38, 1-based): chr8:67,118,318, G>T. VCF-style: chr8-67118318-G-T. GRCh37 (hg19) VCF-style: chr8-68030553-G-T.
Other names: c.1552G>T, p.Ala518Ser (NM_024790.7); c.670G>T, p.Ala224Ser (NM_001291339.2); c.1486G>T, p.Ala496Ser (NM_001363131.2); c.1525G>T, p.Ala509Ser (NM_001363132.2); c.1444G>T, p.Ala482Ser (NM_001363133.2); c.1633G>T, p.Ala545Ser (NM_001364869.1); c.1453G>T, p.Ala485Ser (NM_001364870.1); short protein forms A518S, A523S, A482S, A496S, A545S, A224S, A485S, A509S.
Identifiers: ClinVar variation 1995502 (VCV001995502.4), dbSNP rs2488963506, ClinGen allele CA371200664.
Genomic context (GRCh38, chr8:67,118,318, plus strand): 5'-CTGCCTCCACCTCCCCTACTACCACCTTTGGCTACTAACTATCGAACTCCTTATGATGAT[G>T]CATACTATTTTTATGGGTCCAGGAATACTTTCGATCCCAGTCTTGCTTATTGTAAGTTAT-3'
Protein context (NP_001369320.1, residues 513-533): ATNYRTPYDD[Ala523Ser]YYFYGSRNTF